The following is an entry in ClinVar:

NM_014629.4(ARHGEF10):c.2230C>G (p.Leu744Val)

Genes: ARHGEF10 (Rho guanine nucleotide exchange factor 10; plus strand), LOC126860281 (CDK7 strongly-dependent group 2 enhancer GRCh37_chr8:1870370-1871569; plus strand). Cytogenetic location: 8p23.3.
Variant type: single nucleotide variant.
Coding change: c.2230C>G on transcript NM_014629.4 (MANE Select); coding-DNA position 2230, C replaced by G.
Protein change: p.Leu744Val; replaces leucine 744 with valine.
Molecular consequence: missense variant.
Genome position (GRCh38, 1-based): chr8:1,923,050, C>G. VCF-style: chr8-1923050-C-G. GRCh37 (hg19) VCF-style: chr8-1871216-C-G.
Other names: c.2116C>G, p.Leu706Val (NM_001308152.2); c.2230C>G, p.Leu744Val (NM_001308153.3); short protein forms L768V, L706V, L744V.
Identifiers: ClinVar variation 1482585 (VCV001482585.6), dbSNP rs1812418106, ClinGen allele CA369965322.

ClinVar aggregate classification (germline): Uncertain significance (1 of 4 stars; one submission).

Submission:

Labcorp Genetics (formerly Invitae), Labcorp
Classification: Uncertain significance. Last evaluated: 2021-10-17. Review status: criteria provided, single submitter. Criteria: Invitae Variant Classification Sherloc (09022015). Collection method: clinical testing. Allele origin: germline.
Comment: In summary, the available evidence is currently insufficient to determine the role of this variant in disease. Therefore, it has been classified as a Variant of Uncertain Significance. Algorithms developed to predict the effect of sequence changes on RNA splicing suggest that this variant may create or strengthen a splice site. Algorithms developed to predict the effect of missense changes on protein structure and function are either unavailable or do not agree on the potential impact of this missense change (SIFT: "Deleterious"; PolyPhen-2: "Probably Damaging"; Align-GVGD: "Class C0"). This variant has not been reported in the literature in individuals affected with ARHGEF10-related conditions. This variant is not present in population databases (ExAC no frequency). This sequence change replaces leucine with valine at codon 744 of the ARHGEF10 protein (p.Leu744Val). The leucine residue is highly conserved and there is a small physicochemical difference between leucine and valine.